The following is an entry in ClinVar:

NM_000264.5(PTCH1):c.3093C>G (p.Phe1031Leu)

Gene: PTCH1 (patched 1; minus strand). Cytogenetic location: 9q22.32.
Variant type: single nucleotide variant.
Coding change: c.3093C>G on transcript NM_000264.5 (MANE Select); coding-DNA position 3093, C replaced by G.
Protein change: p.Phe1031Leu; replaces phenylalanine 1031 with leucine.
Molecular consequence: missense variant. On other transcripts: non-coding transcript variant (1).
Genome position (GRCh38, 1-based): chr9:95,458,088, G>C on the plus strand (C>G on the coding strand, the complement: PTCH1 is on the minus strand). VCF-style: chr9-95458088-G-C. GRCh37 (hg19) VCF-style: chr9-98220370-G-C.
Other names: c.2895C>G, p.Phe965Leu (NM_001083602.3); c.3090C>G, p.Phe1030Leu (NM_001083603.3); c.2640C>G, p.Phe880Leu (NM_001083604.3, NM_001083605.3, NM_001083606.3 and 1 more transcripts); c.2937C>G, p.Phe979Leu (NM_001354918.2); short protein forms F880L, F979L, F965L, F1030L, F1031L.
Identifiers: ClinVar variation 3427222 (VCV003427222.3).
Genomic context (GRCh38, chr9:95,458,088, plus strand): 5'-CCAGGGGTTCAGAAGGAAGACAGCGCACACGAGGAATGTGCAGGCCAACACCACGCTGAT[G>C]AACAGCAGCAGCCAGTGGCGGAGGCCGATGTACTGCTCCCAGAAGAGGAAGGGGTAGCCG-3'
Protein context (NP_000255.2, residues 1021-1041): YIGLRHWLLL[Phe1031Leu]ISVVLACTFL

ClinVar aggregate classification (germline): Uncertain significance. Review status: criteria provided, multiple submitters, no conflicts (2 of 4 stars). 2 submissions from 2 submitters: Uncertain significance (2). Last evaluated 2024-10-31.

Conditions:
Hereditary cancer-predisposing syndrome. Also called: Hereditary Cancer Syndrome; Hereditary neoplastic syndrome; Neoplastic Syndromes, Hereditary; Tumor predisposition. Identifiers: Orphanet 140162, MedGen C0027672, MeSH D009386, MONDO:0015356.
Gorlin syndrome. Also called: Basal cell nevus syndrome; Nevoid Basal Cell Carcinoma Syndrome. Identifiers: Orphanet 377, MedGen C0004779, MONDO:0007187.

gnomAD v4.1: 2 of 1,614,234 alleles (0.00012%); highest among the groups gnomAD compares: Non-Finnish European, 0.00017%; no homozygotes.

Submissions (2):

Labcorp Genetics (formerly Invitae), Labcorp
Classification: Uncertain significance for Gorlin syndrome. Last evaluated: 2024-10-31. Review status: criteria provided, single submitter. Criteria: Invitae Variant Classification Sherloc (09022015). Collection method: clinical testing. Allele origin: germline.
Comment: This sequence change replaces phenylalanine, which is neutral and non-polar, with leucine, which is neutral and non-polar, at codon 1031 of the PTCH1 protein (p.Phe1031Leu). This variant is not present in population databases (gnomAD no frequency). This variant has not been reported in the literature in individuals affected with PTCH1-related conditions. Invitae Evidence Modeling of protein sequence and biophysical properties (such as structural, functional, and spatial information, amino acid conservation, physicochemical variation, residue mobility, and thermodynamic stability) indicates that this missense variant is not expected to disrupt PTCH1 protein function with a negative predictive value of 95%. In summary, the available evidence is currently insufficient to determine the role of this variant in disease. Therefore, it has been classified as a Variant of Uncertain Significance.

Ambry Genetics
Classification: Uncertain significance for Hereditary cancer-predisposing syndrome. Last evaluated: 2024-06-30. Review status: criteria provided, single submitter. Criteria: Ambry Variant Classification Scheme 2023. Collection method: clinical testing. Allele origin: germline.
Comment: The p.F1031L variant (also known as c.3093C>G), located in coding exon 18 of the PTCH1 gene, results from a C to G substitution at nucleotide position 3093. The phenylalanine at codon 1031 is replaced by leucine, an amino acid with highly similar properties. This amino acid position is conserved. In addition, this alteration is predicted to be tolerated by in silico analysis. Based on the available evidence, the clinical significance of this variant remains unclear.